The following is an entry in ClinVar:

NM_198428.3(BBS9):c.1856G>A (p.Arg619His)

Gene: BBS9 (Bardet-Biedl syndrome 9; plus strand). Cytogenetic location: 7p14.3.
Variant type: single nucleotide variant.
Coding change: c.1856G>A on transcript NM_198428.3 (MANE Select); coding-DNA position 1856, G replaced by A.
Protein change: p.Arg619His; replaces arginine 619 with histidine.
Molecular consequence: missense variant. On other transcripts: non-coding transcript variant (3).
Genome position (GRCh38, 1-based): chr7:33,383,732, G>A. VCF-style: chr7-33383732-G-A. GRCh37 (hg19) VCF-style: chr7-33423344-G-A.
Other names: c.1856G>A (NM_198428.2); c.1751G>A, p.Arg584His (NM_001033604.2); c.1841G>A, p.Arg614His (NM_001033605.2); c.1856G>A, p.Arg619His (NM_001348036.1, NM_001348041.4, NM_001348043.3 and 1 more transcripts); c.1490G>A, p.Arg497His (NM_001348037.3, NM_001348045.3, NM_001348046.3); c.1583G>A, p.Arg528His (NM_001348038.3); c.1478G>A, p.Arg493His (NM_001348039.3); c.1736G>A, p.Arg579His (NM_001348040.3, NM_014451.4); and 2 more; short protein forms R462H, R493H, R528H, R579H, R497H, R574H, R614H, R619H.
Identifiers: ClinVar variation 1047557 (VCV001047557.8), dbSNP rs750412402, ClinGen allele CA4214533.

ClinVar aggregate classification (germline): Uncertain significance. Review status: criteria provided, multiple submitters, no conflicts (2 of 4 stars). 3 submissions from 3 submitters: Uncertain significance (3). Last evaluated 2025-11-19.

Conditions:
Bardet-Biedl syndrome (BBS). Identifiers: Orphanet 110, MedGen C0752166, MONDO:0015229.
Inborn genetic diseases. Identifiers: MedGen C0950123, MeSH D030342.

Allele frequency attached by ClinVar (database versions not stated): ExAC 0.00001; gnomAD 0.00001; gnomAD exomes 0.00001 and 0.00003; TOPMed 0.00003.
gnomAD v4.1: 22 of 1,611,766 alleles (0.0014%); highest among the groups gnomAD compares: South Asian, 0.0033%; 1 homozygote.

Submissions (3):

Ambry Genetics
Classification: Uncertain significance for Inborn genetic diseases. Last evaluated: 2025-11-19. Review status: criteria provided, single submitter. Criteria: Ambry Variant Classification Scheme 2023. Collection method: clinical testing. Allele origin: germline.

Blueprint Genetics
Classification: Uncertain significance. Last evaluated: 2023-11-16. Review status: criteria provided, single submitter. Criteria: ACMG Guidelines, 2015. Collection method: clinical testing. Allele origin: germline.

Labcorp Genetics (formerly Invitae), Labcorp
Classification: Uncertain significance for Bardet-Biedl syndrome. Last evaluated: 2022-02-02. Review status: criteria provided, single submitter. Criteria: Invitae Variant Classification Sherloc (09022015). Collection method: clinical testing. Allele origin: germline.
Comment: This sequence change replaces arginine, which is basic and polar, with histidine, which is basic and polar, at codon 619 of the BBS9 protein (p.Arg619His). This variant is present in population databases (rs750412402, gnomAD 0.01%). This variant has not been reported in the literature in individuals affected with BBS9-related conditions. ClinVar contains an entry for this variant (Variation ID: 1047557). Algorithms developed to predict the effect of missense changes on protein structure and function are either unavailable or do not agree on the potential impact of this missense change (SIFT: "Deleterious"; PolyPhen-2: "Probably Damaging"; Align-GVGD: "Class C0"). In summary, the available evidence is currently insufficient to determine the role of this variant in disease. Therefore, it has been classified as a Variant of Uncertain Significance.